The following is an entry in ClinVar:

NM_001244008.2(KIF1A):c.31del (p.Arg11fs)

Gene: KIF1A (kinesin family member 1A; minus strand). Cytogenetic location: 2q37.3.
Variant type: Deletion.
Coding change: c.31del on transcript NM_001244008.2 (MANE Select); coding-DNA position 31, one base deleted (C; older notation c.31delC).
Protein change: p.Arg11fs; shifts the reading frame from arginine 11.
Molecular consequence: frameshift variant.
Genome position (GRCh38, 1-based): chr2:240,797,722, G deleted on the plus strand (C on the coding strand, the reverse complement: KIF1A is on the minus strand). VCF-style (leftmost placement, unchanged base first): chr2-240797721-CG-C. GRCh37 (hg19) VCF-style: chr2-241737138-CG-C.
Other names: c.31del, p.Arg11fs (NM_001320705.2, NM_001330289.2, NM_001330290.2 and 20 more transcripts); short protein forms R11fs.
Identifiers: ClinVar variation 4786440 (VCV004786440.1).

ClinVar aggregate classification (germline): Pathogenic (1 of 4 stars; one submission).

Conditions:
Neuropathy, hereditary sensory, type 2C. Also called: KIF1A-Related HSAN2 (HSAN2C); Hereditary sensory and autonomic neuropathy type IIC. Identifiers: Orphanet 970, MedGen C3280168, MONDO:0013634, OMIM 614213.
Hereditary spastic paraplegia 30. Identifiers: Orphanet 101010, MedGen C5235139, MONDO:0012476.
Intellectual disability, autosomal dominant 9 (NESCAVS). Also called: KIF1A-Related Neurodevelopmental Disorder; NESCAV SYNDROME. Identifiers: Orphanet 662367, MedGen C5393830, MONDO:0013656, OMIM 614255.

Submission:

Labcorp Genetics (formerly Invitae), Labcorp
Classification: Pathogenic for Hereditary spastic paraplegia 30; Neuropathy, hereditary sensory, type 2C; Intellectual disability, autosomal dominant 9. Last evaluated: 2025-10-15. Review status: criteria provided, single submitter. Criteria: Invitae Variant Classification Sherloc (09022015). Collection method: clinical testing. Allele origin: germline.
Comment: This sequence change creates a premature translational stop signal (p.Arg11Glyfs*10) in the KIF1A gene. It is expected to result in an absent or disrupted protein product. Loss-of-function variants in KIF1A are known to be pathogenic (PMID: 21820098). This variant is not present in population databases (gnomAD no frequency). This variant has not been reported in the literature in individuals affected with KIF1A-related conditions. For these reasons, this variant has been classified as Pathogenic.

Literature cited by the submitters: PubMed 21820098.